The following is an entry in ClinVar:

NM_003803.4(MYOM1):c.3455G>A (p.Gly1152Glu)

Gene: MYOM1 (myomesin 1; minus strand). Cytogenetic location: 18p11.31.
Variant type: single nucleotide variant.
Coding change: c.3455G>A on transcript NM_003803.4 (MANE Select); coding-DNA position 3455, G replaced by A.
Protein change: p.Gly1152Glu; replaces glycine 1152 with glutamic acid.
Molecular consequence: missense variant.
Genome position (GRCh38, 1-based): chr18:3,102,594, C>T on the plus strand (G>A on the coding strand, the complement: MYOM1 is on the minus strand). VCF-style: chr18-3102594-C-T. GRCh37 (hg19) VCF-style: chr18-3102592-C-T.
Other names: c.3167G>A, p.Gly1056Glu (NM_019856.2); short protein forms G1152E, G1056E.
Identifiers: ClinVar variation 3691189 (VCV003691189.2).

ClinVar aggregate classification (germline): Uncertain significance (1 of 4 stars; one submission).

Conditions:
Hypertrophic cardiomyopathy. Also called: HYPERTROPHIC MYOCARDIOPATHY. Identifiers: Orphanet 217569, MedGen C0007194, MeSH D002312, MONDO:0005045, HP:0001639.

Submission:

Labcorp Genetics (formerly Invitae), Labcorp
Classification: Uncertain significance for Hypertrophic cardiomyopathy. Last evaluated: 2024-08-16. Review status: criteria provided, single submitter. Criteria: Invitae Variant Classification Sherloc (09022015). Collection method: clinical testing. Allele origin: germline.
Comment: This sequence change replaces glycine, which is neutral and non-polar, with glutamic acid, which is acidic and polar, at codon 1152 of the MYOM1 protein (p.Gly1152Glu). This variant is not present in population databases (gnomAD no frequency). This variant has not been reported in the literature in individuals affected with MYOM1-related conditions. Invitae Evidence Modeling of protein sequence and biophysical properties (such as structural, functional, and spatial information, amino acid conservation, physicochemical variation, residue mobility, and thermodynamic stability) has been performed for this missense variant. However, the output from this modeling did not meet the statistical confidence thresholds required to predict the impact of this variant on MYOM1 protein function. In summary, the available evidence is currently insufficient to determine the role of this variant in disease. Therefore, it has been classified as a Variant of Uncertain Significance.